The following is an entry in ClinVar:

ClinVar aggregate classification (germline): Uncertain significance (1 of 4 stars; one submission).

Submission:

Labcorp Genetics (formerly Invitae), Labcorp
Classification: Uncertain significance. Last evaluated: 2022-11-22. Review status: criteria provided, single submitter. Criteria: Invitae Variant Classification Sherloc (09022015). Collection method: clinical testing. Allele origin: germline.
Comment: This sequence change replaces glutamine, which is neutral and polar, with leucine, which is neutral and non-polar, at codon 298 of the MYO3A protein (p.Gln298Leu). This variant is not present in population databases (gnomAD no frequency). This variant has not been reported in the literature in individuals affected with MYO3A-related conditions. ClinVar contains an entry for this variant (Variation ID: 1436137). Algorithms developed to predict the effect of missense changes on protein structure and function (SIFT, PolyPhen-2, Align-GVGD) all suggest that this variant is likely to be disruptive. In summary, the available evidence is currently insufficient to determine the role of this variant in disease. Therefore, it has been classified as a Variant of Uncertain Significance.

NM_017433.5(MYO3A):c.893A>T (p.Gln298Leu)

Gene: MYO3A (myosin IIIA; plus strand). Cytogenetic location: 10p12.1.
Variant type: single nucleotide variant.
Coding change: c.893A>T on transcript NM_017433.5 (MANE Select); coding-DNA position 893, A replaced by T.
Protein change: p.Gln298Leu; replaces glutamine 298 with leucine.
Molecular consequence: missense variant.
Genome position (GRCh38, 1-based): chr10:26,026,472, A>T. VCF-style: chr10-26026472-A-T. GRCh37 (hg19) VCF-style: chr10-26315401-A-T.
Other names: short protein forms Q298L.
Identifiers: ClinVar variation 1436137 (VCV001436137.6), dbSNP rs2131116938, ClinGen allele CA376333362.